The following is an entry in ClinVar:

NM_001267550.2(TTN):c.5601C>A (p.Tyr1867Ter)

Gene: TTN (titin; minus strand). Cytogenetic location: 2q31.2.
Variant type: single nucleotide variant.
Coding change: c.5601C>A on transcript NM_001267550.2 (MANE Select); coding-DNA position 5601, C replaced by A.
Protein change: p.Tyr1867Ter; replaces tyrosine 1867 with a stop codon.
Molecular consequence: nonsense.
Genome position (GRCh38, 1-based): chr2:178,776,263, G>T on the plus strand (C>A on the coding strand, the complement: TTN is on the minus strand). VCF-style: chr2-178776263-G-T. GRCh37 (hg19) VCF-style: chr2-179640990-G-T.
Other names: c.5601C>A, p.Tyr1867Ter (NM_001256850.1, NM_133378.4, NM_133379.5); c.5463C>A, p.Tyr1821Ter (NM_003319.4, NM_133432.3, NM_133437.4); short protein forms Y1821*, Y1867*.
Identifiers: ClinVar variation 2939460 (VCV002939460.3), dbSNP rs2532861633, ClinGen allele CA349449918.
Genomic context (GRCh38, chr2:178,776,263, plus strand): 5'-GAACCTTTTGCTTTTGCGGATGAGCTGTCCATTGAGGTACCAGTTGACTTTGGGCTGAGG[G>T]TAGCCTGTTACCCTGCAGCGGAACCTTGCAGTCTCCCCTTCAAGTACTCTAACTGGCTCT-3'

ClinVar aggregate classification (germline): Likely pathogenic (1 of 4 stars; one submission).

Conditions:
Dilated cardiomyopathy 1G (CMD1G). Identifiers: Orphanet 154, MedGen C1858763, MONDO:0011400, OMIM 604145.
Autosomal recessive limb-girdle muscular dystrophy type 2J (LGMDR10). Also called: Limb-girdle muscular dystrophy, type 2J; MUSCULAR DYSTROPHY, LIMB-GIRDLE, AUTOSOMAL RECESSIVE 10. Identifiers: Orphanet 140922, MedGen C1837342, MONDO:0012127, OMIM 608807.

gnomAD v4.1: 1 of 1,614,116 alleles (0.000062%); highest among the groups gnomAD compares: South Asian, 0.0011%; no homozygotes.

Submission:

Labcorp Genetics (formerly Invitae), Labcorp
Classification: Likely pathogenic for Dilated cardiomyopathy 1G; Autosomal recessive limb-girdle muscular dystrophy type 2J. Last evaluated: 2024-10-18. Review status: criteria provided, single submitter. Criteria: Invitae Variant Classification Sherloc (09022015). Collection method: clinical testing. Allele origin: germline.
Comment: This sequence change creates a premature translational stop signal (p.Tyr1867*) in the TTN gene. While this is not anticipated to result in nonsense mediated decay, it is expected to create a truncated TTN protein. This variant is not present in population databases (gnomAD no frequency). This variant has not been reported in the literature in individuals affected with TTN-related conditions. This variant is located in the Z band of TTN (PMID: 25589632). Truncating variants in this region have been reported in individuals affected with autosomal recessive centronuclear myopathy (PMID: 33449170, internal data). Truncating variants in this region have also been identified in individuals affected with autosomal dominant dilated cardiomyopathy and/or cardio-related conditions (PMID: 27869827, 32964742, internal data). In summary, the currently available evidence indicates that the variant is pathogenic, but additional data are needed to prove that conclusively. Therefore, this variant has been classified as Likely Pathogenic.

Literature cited by the submitters: PubMed 25589632; PubMed 33449170; PubMed 27869827; PubMed 32964742.